The following is an entry in ClinVar:

ClinVar aggregate classification (germline): Likely benign. Review status: criteria provided, multiple submitters, no conflicts (2 of 4 stars). 2 submissions from 2 submitters: Likely benign (2). Last evaluated 2021-09-26.

Conditions:
Neuronal ceroid lipofuscinosis 1 (CLN1). Also called: CEROID LIPOFUSCINOSIS, NEURONAL, 1, VARIABLE AGE AT ONSET; PPT1-Related Neuronal Ceroid-Lipofuscinosis. Identifiers: Orphanet 228329, MedGen C1850451, MONDO:0009744, OMIM 256730.

Allele frequency attached by ClinVar (database versions not stated): ExAC 0.00001.

Submissions (2):

Labcorp Genetics (formerly Invitae), Labcorp
Classification: Likely benign for Neuronal ceroid lipofuscinosis 1. Last evaluated: 2021-09-26. Review status: criteria provided, single submitter. Criteria: Invitae Variant Classification Sherloc (09022015). Collection method: clinical testing. Allele origin: germline.

GeneDx
Classification: Likely benign. Last evaluated: 2018-03-26. Review status: criteria provided, single submitter. Criteria: GeneDx Variant Classification (06012015). Collection method: clinical testing. Allele origin: germline. Affected: yes.
Comment: This variant is considered likely benign or benign based on one or more of the following criteria: it is a conservative change, it occurs at a poorly conserved position in the protein, it is predicted to be benign by multiple in silico algorithms, and/or has population frequency not consistent with disease.

NM_000310.4(PPT1):c.27C>G (p.Leu9=)

Gene: PPT1 (palmitoyl-protein thioesterase 1; minus strand). Cytogenetic location: 1p34.2.
Variant type: single nucleotide variant.
Coding change: c.27C>G on transcript NM_000310.4 (MANE Select); coding-DNA position 27, C replaced by G.
Protein change: p.Leu9=; no amino-acid change (leucine 9 retained).
Molecular consequence: synonymous variant.
Genome position (GRCh38, 1-based): chr1:40,097,212, G>C on the plus strand (C>G on the coding strand, the complement: PPT1 is on the minus strand). VCF-style: chr1-40097212-G-C. GRCh37 (hg19) VCF-style: chr1-40562884-G-C.
Other names: c.27C>G, p.Leu9= (NM_001142604.2, NM_001363695.2).
Identifiers: ClinVar variation 681120 (VCV000681120.8), dbSNP rs765173260, ClinGen allele CA789856.